The following is an entry in ClinVar:

ClinVar aggregate classification (germline): Benign/Likely benign. Review status: criteria provided, multiple submitters, no conflicts (2 of 4 stars). 7 submissions from 7 submitters: Benign (2); Likely benign (5). Last evaluated 2025-10-20.

Conditions:
ROR2-related disorder. Also called: ROR2-related condition; ROR2-related disorders.
Autosomal recessive Robinow syndrome (RRS1). Also called: ROR2-Related Robinow Syndrome; COSTOVERTEBRAL SEGMENTATION DEFECT WITH MESOMELIA; COVESDEM SYNDROME; ROBINOW SYNDROME, AUTOSOMAL RECESSIVE 1. Identifiers: Orphanet 1507, Orphanet 97360, MedGen C5399974, MONDO:0009999, OMIM 268310.
Brachydactyly type B1 (BDB1). Identifiers: Orphanet 572385, Orphanet 93383, MedGen C1862112, MONDO:0007220, OMIM 113000.

Allele frequency attached by ClinVar (database versions not stated): ESP Exome Variant Server 0.00023; gnomAD 0.00035 and 0.00044; TOPMed 0.00044; gnomAD exomes 0.00067; ExAC 0.00071; 1000 Genomes Project 0.00100; 1000 Genomes Project 30x 0.00125.
gnomAD v4.1: 606 of 1,612,308 alleles (0.038%); highest among the groups gnomAD compares: South Asian, 0.43%; 7 homozygotes.

Submissions (7):

PreventionGenetics, part of Exact Sciences
Classification: Likely benign for ROR2-related condition. Last evaluated: 2025-10-20. Review status: criteria provided, single submitter. Criteria: ACMG Guidelines, 2015. Collection method: clinical testing. Allele origin: germline.
Comment: This variant is classified as likely benign based on ACMG/AMP sequence variant interpretation guidelines (Richards et al. 2015 PMID: 25741868, with internal and published modifications).

Labcorp Genetics (formerly Invitae), Labcorp
Classification: Benign. Last evaluated: 2025-10-04. Review status: criteria provided, single submitter. Criteria: Invitae Variant Classification Sherloc (09022015). Collection method: clinical testing. Allele origin: germline.

CeGaT Center for Human Genetics Tuebingen
Classification: Likely benign. Last evaluated: 2025-01-01. Review status: criteria provided, single submitter. Criteria: CeGaT Center For Human Genetics Tuebingen Variant Classification Criteria Version 2. Collection method: clinical testing. Allele origin: germline. Affected: yes. Observed: 2 variant alleles.
Comment: ROR2: BS2

Blueprint Genetics
Classification: Likely benign. Last evaluated: 2024-11-11. Review status: criteria provided, single submitter. Criteria: ACMG Guidelines, 2015. Collection method: clinical testing. Allele origin: germline.

Dubai Health Genomic Medicine Center, Dubai Health
Classification: Likely benign for Autosomal recessive Robinow syndrome. Last evaluated: 2019-12-29. Review status: criteria provided, single submitter. Criteria: ACMG Guidelines, 2015. Collection method: clinical testing. Allele origin: germline. Affected: yes.

Eurofins Ntd Llc (ga)
Classification: Likely benign. Last evaluated: 2018-08-21. Review status: criteria provided, single submitter. Criteria: EGL ClinVar v180209 classification definitions. Collection method: clinical testing. Allele origin: germline. Observed: 3 variant alleles, 3 heterozygotes.

Illumina Laboratory Services, Illumina
Classification: Benign for Brachydactyly type B1. Last evaluated: 2017-04-28. Review status: criteria provided, single submitter. Criteria: ICSL Variant Classification Criteria 13 December 2019. Collection method: clinical testing. Allele origin: germline.
Comment: This variant was observed as part of a predisposition screen in an ostensibly healthy population. A literature search was performed for the gene, cDNA change, and amino acid change (where applicable). No publications were found based on this search. Allele frequency data from public databases was too high to be consistent with this variant causing disease. Therefore, this variant is classified as benign.

Literature cited by the submitters: PubMed 17665217 (cited by Eurofins Ntd Llc (ga)).

NM_004560.4(ROR2):c.730C>T (p.Arg244Trp)

Gene: ROR2 (ROR family WNT receptor 2; minus strand). Cytogenetic location: 9q22.31.
Variant type: single nucleotide variant.
Coding change: c.730C>T on transcript NM_004560.4 (MANE Select); coding-DNA position 730, C replaced by T.
Protein change: p.Arg244Trp; replaces arginine 244 with tryptophan.
Molecular consequence: missense variant.
Genome position (GRCh38, 1-based): chr9:91,733,329, G>A on the plus strand (C>T on the coding strand, the complement: ROR2 is on the minus strand). VCF-style: chr9-91733329-G-A. GRCh37 (hg19) VCF-style: chr9-94495611-G-A.
Other names: c.730C>T, p.Arg244Trp (NM_001318204.2); short protein forms R244W.
Identifiers: ClinVar variation 198176 (VCV000198176.43), dbSNP rs148340413, ClinGen allele CA246689.
Genomic context (GRCh38, chr9:91,733,329, plus strand): 5'-ACAGGTCGCTCTCCAGCACCTCGCACTCGTCGCGGCACAGCTCACGCGGCTTGGGTGTCC[G>A]GGAGCGCGCGTCGCACAGAGGAAACACGAAGTGGCAGAAGGATGGGATGGCGAACTGTGA-3'
Protein context (NP_004551.2, residues 234-254): FVFPLCDARS[Arg244Trp]TPKPRELCRD